The following is an entry in ClinVar:

NM_015978.3(TNNI3K):c.1151C>T (p.Thr384Ile)

Genes: FPGT-TNNI3K (FPGT-TNNI3K readthrough; plus strand), TNNI3K (TNNI3 interacting kinase; plus strand). Cytogenetic location: 1p31.1.
Variant type: single nucleotide variant.
Coding change: c.1151C>T on transcript NM_015978.3 (MANE Select); coding-DNA position 1151, C replaced by T.
Protein change: p.Thr384Ile; replaces threonine 384 with isoleucine.
Molecular consequence: missense variant.
Genome position (GRCh38, 1-based): chr1:74,354,103, C>T. VCF-style: chr1-74354103-C-T. GRCh37 (hg19) VCF-style: chr1-74819787-C-T.
Other names: c.1454C>T, p.Thr485Ile (NM_001112808.3, NM_001199327.2); short protein forms T384I, T485I.
Identifiers: ClinVar variation 4765361 (VCV004765361.1).
Genomic context (GRCh38, chr1:74,354,103, plus strand): 5'-CTGATATGAATCTAGTGGCTTGTGATCCCAGCAGGTCTAGTGGTGAAAAAGATGAGCAGA[C>T]ATGTTTGATGTGGGCTTATGAAAAAGGTATATTTTTAATCATCGTGTCTCTATAGTGATA-3'
Protein context (NP_057062.1, residues 374-394): SRSSGEKDEQ[Thr384Ile]CLMWAYEKGH

ClinVar aggregate classification (germline): Uncertain significance (1 of 4 stars; one submission).

Submission:

Labcorp Genetics (formerly Invitae), Labcorp
Classification: Uncertain significance. Last evaluated: 2025-08-10. Review status: criteria provided, single submitter. Criteria: Invitae Variant Classification Sherloc (09022015). Collection method: clinical testing. Allele origin: germline.
Comment: This sequence change replaces threonine, which is neutral and polar, with isoleucine, which is neutral and non-polar, at codon 384 of the TNNI3K protein (p.Thr384Ile). This variant is present in population databases (rs772219373, gnomAD 0.0009%). This variant has not been reported in the literature in individuals affected with TNNI3K-related conditions. Invitae Evidence Modeling of protein sequence and biophysical properties (such as structural, functional, and spatial information, amino acid conservation, physicochemical variation, residue mobility, and thermodynamic stability) indicates that this missense variant is not expected to disrupt TNNI3K protein function with a negative predictive value of 80%. In summary, the available evidence is currently insufficient to determine the role of this variant in disease. Therefore, it has been classified as a Variant of Uncertain Significance.